The following is an entry in ClinVar:

NM_001352754.2(ARMC9):c.296A>G (p.Tyr99Cys)

Gene: ARMC9 (armadillo repeat containing 9; plus strand). Cytogenetic location: 2q37.1.
Variant type: single nucleotide variant.
Coding change: c.296A>G on transcript NM_001352754.2 (MANE Select); coding-DNA position 296, A replaced by G.
Protein change: p.Tyr99Cys; replaces tyrosine 99 with cysteine.
Molecular consequence: missense variant. On other transcripts: non-coding transcript variant (1).
Genome position (GRCh38, 1-based): chr2:231,214,949, A>G. VCF-style: chr2-231214949-A-G. GRCh37 (hg19) VCF-style: chr2-232079662-A-G.
Other names: c.296A>G, p.Tyr99Cys (NM_001271466.4, NM_001291656.2, NM_001352755.2 and 5 more transcripts); c.296A>G (NM_025139.3); short protein forms Y99C.
Identifiers: ClinVar variation 1403485 (VCV001403485.4), dbSNP rs772969644, ClinGen allele CA2159895.

ClinVar aggregate classification (germline): Uncertain significance. Review status: criteria provided, multiple submitters, no conflicts (2 of 4 stars). 2 submissions from 2 submitters: Uncertain significance (2). Last evaluated 2023-07-11.

Conditions:
Inborn genetic diseases. Identifiers: MedGen C0950123, MeSH D030342.

Allele frequency attached by ClinVar (database versions not stated): gnomAD exomes 0.00001 and 0.00008; gnomAD 0.00002; TOPMed 0.00003; ExAC 0.00009.
gnomAD v4.1: 21 of 1,613,974 alleles (0.0013%); highest among the groups gnomAD compares: East Asian, 0.031%; no homozygotes.

Submissions (2):

Ambry Genetics
Classification: Uncertain significance for Inborn genetic diseases. Last evaluated: 2023-07-11. Review status: criteria provided, single submitter. Criteria: Ambry Variant Classification Scheme 2023. Collection method: clinical testing. Allele origin: germline.

Labcorp Genetics (formerly Invitae), Labcorp
Classification: Uncertain significance. Last evaluated: 2022-11-01. Review status: criteria provided, single submitter. Criteria: Invitae Variant Classification Sherloc (09022015). Collection method: clinical testing. Allele origin: germline.
Comment: This sequence change replaces tyrosine, which is neutral and polar, with cysteine, which is neutral and slightly polar, at codon 99 of the ARMC9 protein (p.Tyr99Cys). This variant is present in population databases (rs772969644, gnomAD 0.1%). This variant has not been reported in the literature in individuals affected with ARMC9-related conditions. ClinVar contains an entry for this variant (Variation ID: 1403485). Experimental studies and prediction algorithms are not available or were not evaluated, and the functional significance of this variant is currently unknown. In summary, the available evidence is currently insufficient to determine the role of this variant in disease. Therefore, it has been classified as a Variant of Uncertain Significance.